The following is an entry in ClinVar:

NM_000340.2(SLC2A2):c.203C>T (p.Pro68Leu)

Gene: SLC2A2 (solute carrier family 2 member 2; minus strand). Cytogenetic location: 3q26.2.
Variant type: single nucleotide variant.
Coding change: c.203C>T on transcript NM_000340.2 (MANE Select); coding-DNA position 203, C replaced by T.
Protein change: p.Pro68Leu; replaces proline 68 with leucine.
Molecular consequence: missense variant. On other transcripts: 5 prime UTR variant (1), intron variant (1).
Genome position (GRCh38, 1-based): chr3:171,014,637, G>A on the plus strand (C>T on the coding strand, the complement: SLC2A2 is on the minus strand). VCF-style: chr3-171014637-G-A. GRCh37 (hg19) VCF-style: chr3-170732426-G-A.
Other names: p.Pro68Leu; c.-192C>T (NM_001278659.2); c.14+3894C>T (NM_001278658.2); short protein forms P68L.
Identifiers: ClinVar variation 516406 (VCV000516406.45), dbSNP rs7637863, ClinGen allele CA2702741.
Genomic context (GRCh38, chr3:171,014,637, plus strand): 5'-GCCACAGTCTCTTCCTCAGCCCAAGGGGTTGGTTTTGGGTTCATTGAGTATGAGATTGTG[G>A]GCAGTTCATCTGTACTGTTGATAACATAGTTGTTGATAGCTTTTCGGTCATCCAGTGGAA-3'
Protein context (NP_000331.1, residues 58-78): NYVINSTDEL[Pro68Leu]TISYSMNPKP

ClinVar aggregate classification (germline): Benign/Likely benign. Review status: criteria provided, multiple submitters, no conflicts (2 of 4 stars). 11 submissions from 11 submitters: Benign (4); Likely benign (5). 2 of the submissions do not count toward it. Last evaluated 2026-08-01.

Conditions:
Fanconi-Bickel syndrome (FBS). Also called: FANCONI SYNDROME WITH INTESTINAL MALABSORPTION AND GALACTOSE INTOLERANCE; HEPATIC GLYCOGENOSIS WITH AMINO ACIDURIA AND GLUCOSURIA; HEPATIC GLYCOGENOSIS WITH FANCONI NEPHROPATHY; HEPATORENAL GLYCOGENOSIS WITH RENAL FANCONI SYNDROME; Glycogen storage disease due to GLUT2 deficiency; PSEUDO-PHLORIZIN DIABETES. Identifiers: Orphanet 2088, MedGen C3495427, MONDO:0009216, OMIM 227810.
Monogenic diabetes. Identifiers: Orphanet 183625, MedGen C3888631, MONDO:0015967.

Allele frequency attached by ClinVar (database versions not stated): 1000 Genomes Project 30x 0.00187; 1000 Genomes Project 0.00220; gnomAD 0.00333 and 0.00345; TOPMed 0.00346; ESP Exome Variant Server 0.00354; gnomAD exomes 0.00382 and 0.00496; ExAC 0.00423.
gnomAD v4.1: 7,677 of 1,613,978 alleles (0.48%); highest among the groups gnomAD compares: Non-Finnish European, 0.58%; 21 homozygotes.

Submissions (11):

CeGaT Center for Human Genetics Tuebingen
Classification: Likely benign. Last evaluated: 2026-08-01. Review status: criteria provided, single submitter. Criteria: CeGaT Center For Human Genetics Tuebingen Variant Classification Criteria Version 2. Collection method: clinical testing. Allele origin: germline. Affected: yes. Observed: 5 variant alleles.
Comment: SLC2A2: BP4, BS2

Labcorp Genetics (formerly Invitae), Labcorp
Classification: Benign for Fanconi-Bickel syndrome. Last evaluated: 2026-02-01. Review status: criteria provided, single submitter. Criteria: Invitae Variant Classification Sherloc (09022015). Collection method: clinical testing. Allele origin: germline.

ARUP Laboratories, Molecular Genetics and Genomics, ARUP Laboratories
Classification: Benign. Last evaluated: 2025-02-10. Review status: criteria provided, single submitter. Criteria: ARUP Molecular Germline Variant Investigation Process 2024. Collection method: clinical testing. Allele origin: germline.

Mayo Clinic Laboratories, Mayo Clinic
Classification: Likely benign. Last evaluated: 2025-02-04. Review status: criteria provided, single submitter. Criteria: ACMG Guidelines, 2015. Collection method: clinical testing. Allele origin: germline. Observed: 2 variant alleles.
Comment: BS1, BP4

Blueprint Genetics
Classification: Likely benign. Last evaluated: 2024-11-20. Review status: criteria provided, single submitter. Criteria: ACMG Guidelines, 2015. Collection method: clinical testing. Allele origin: germline.

Personalized Diabetes Medicine Program, University of Maryland School of Medicine
Classification: Benign for Monogenic diabetes. Last evaluated: 2019-01-18. Review status: criteria provided, single submitter. Criteria: ACMG Guidelines, 2015. Collection method: research. Allele origin: unknown. Observed: 3 variant alleles, 3 heterozygotes.
Comment: ACMG criteria: BS1 (MAF 0.6% in EurNF in gnomAD), BS2 (4 homozygotes in ExAC, 50 cases and 41 controls in an online resource), BS3 (PMID 23986439 shows our variant has similar expression, localization and size compared to WT protein): benign (REVEL 0.289 + PP3/3 predictors + BP4/8 predictors: conflicting evidence, not using)

Illumina Laboratory Services, Illumina
Classification: Likely benign for Fanconi-Bickel syndrome. Last evaluated: 2018-01-13. Review status: criteria provided, single submitter. Criteria: ICSL Variant Classification Criteria 13 December 2019. Collection method: clinical testing. Allele origin: germline.
Comment: This variant was observed in the ICSL laboratory as part of a predisposition screen in an ostensibly healthy population. It had not been previously curated by ICSL or reported in the Human Gene Mutation Database (HGMD: prior to June 1st, 2018), and was therefore a candidate for classification through an automated scoring system. Utilizing variant allele frequency, disease prevalence and penetrance estimates, and inheritance mode, an automated score was calculated to assess if this variant is too frequent to cause the disease. Based on the score and internal cut-off values, a variant classified as likely benign is not then subjected to further curation. The score for this variant resulted in a classification of likely benign for this disease.

GeneDx
Classification: Benign. Last evaluated: 2017-03-07. Review status: criteria provided, single submitter. Criteria: GeneDx Variant Classification (06012015). Collection method: clinical testing. Allele origin: germline. Affected: yes.
Comment: This variant is considered likely benign or benign based on one or more of the following criteria: it is a conservative change, it occurs at a poorly conserved position in the protein, it is predicted to be benign by multiple in silico algorithms, and/or has population frequency not consistent with disease.

Breakthrough Genomics
Classification: Likely benign. Review status: criteria provided, single submitter. Criteria: ACMG Guidelines, 2015. Collection method: not provided. Allele origin: germline. Inheritance: Autosomal recessive inheritance. Affected: yes.

Clinical Genetics DNA and cytogenetics Diagnostics Lab, Erasmus MC, Erasmus Medical Center
Classification: Benign. Review status: no assertion criteria provided. Collection method: clinical testing. Allele origin: germline. Affected: yes. Study: VKGL Data-share Consensus. Not counted in ClinVar's aggregate classification.

Genome Diagnostics Laboratory, University Medical Center Utrecht
Classification: Likely benign. Review status: no assertion criteria provided. Collection method: clinical testing. Allele origin: germline. Affected: yes. Study: VKGL Data-share Consensus. Not counted in ClinVar's aggregate classification.

Literature cited by the submitters: PubMed 23986439 (cited by Personalized Diabetes Medicine Program, University of Maryland School of Medicine).